The following is an entry in ClinVar:

ClinVar aggregate classification (germline): Uncertain significance (1 of 4 stars; one submission).

Submission:

GeneDx
Classification: Uncertain significance. Last evaluated: 2022-01-14. Review status: criteria provided, single submitter. Criteria: GeneDx Variant Classification Process June 2021. Collection method: clinical testing. Allele origin: germline. Affected: yes.
Comment: Not observed at significant frequency in large population cohorts (gnomAD); In silico analysis supports that this missense variant has a deleterious effect on protein structure/function; Has not been previously published as pathogenic or benign to our knowledge

NM_001009944.3(PKD1):c.7411C>T (p.Pro2471Ser)

Gene: PKD1 (polycystin 1, transient receptor potential channel interacting; minus strand). Cytogenetic location: 16p13.3.
Variant type: single nucleotide variant.
Coding change: c.7411C>T on transcript NM_001009944.3 (MANE Select); coding-DNA position 7411, C replaced by T.
Protein change: p.Pro2471Ser; replaces proline 2471 with serine.
Molecular consequence: missense variant.
Genome position (GRCh38, 1-based): chr16:2,106,476, G>A on the plus strand (C>T on the coding strand, the complement: PKD1 is on the minus strand). VCF-style: chr16-2106476-G-A. GRCh37 (hg19) VCF-style: chr16-2156477-G-A.
Other names: c.7411C>T, p.Pro2471Ser (NM_000296.4); short protein forms P2471S.
Identifiers: ClinVar variation 1697020 (VCV001697020.2), dbSNP rs2151774021, ClinGen allele CA394369784.